The following is an entry in ClinVar:

ClinVar aggregate classification (germline): Uncertain significance (1 of 4 stars; one submission).

gnomAD v4.1: 1 of 1,614,108 alleles (0.000062%); highest among the groups gnomAD compares: Admixed American, 0.0017%; no homozygotes.

Submission:

Labcorp Genetics (formerly Invitae), Labcorp
Classification: Uncertain significance. Last evaluated: 2025-02-25. Review status: criteria provided, single submitter. Criteria: Invitae Variant Classification Sherloc (09022015). Collection method: clinical testing. Allele origin: germline.
Comment: This sequence change replaces cysteine, which is neutral and slightly polar, with phenylalanine, which is neutral and non-polar, at codon 519 of the SLC45A2 protein (p.Cys519Phe). This variant is not present in population databases (gnomAD no frequency). This variant has not been reported in the literature in individuals affected with SLC45A2-related conditions. Invitae Evidence Modeling of protein sequence and biophysical properties (such as structural, functional, and spatial information, amino acid conservation, physicochemical variation, residue mobility, and thermodynamic stability) indicates that this missense variant is not expected to disrupt SLC45A2 protein function with a negative predictive value of 80%. This variant disrupts the p.Cys519 amino acid residue in SLC45A2. Other variant(s) that disrupt this residue have been determined to be pathogenic (internal data). This suggests that this residue is clinically significant, and that variants that disrupt this residue are likely to be disease-causing. In summary, the available evidence is currently insufficient to determine the role of this variant in disease. Therefore, it has been classified as a Variant of Uncertain Significance.

NM_016180.5(SLC45A2):c.1556G>T (p.Cys519Phe)

Gene: SLC45A2 (solute carrier family 45 member 2; minus strand). Cytogenetic location: 5p13.2.
Variant type: single nucleotide variant.
Coding change: c.1556G>T on transcript NM_016180.5 (MANE Select); coding-DNA position 1556, G replaced by T.
Protein change: p.Cys519Phe; replaces cysteine 519 with phenylalanine.
Molecular consequence: missense variant.
Genome position (GRCh38, 1-based): chr5:33,944,685, C>A on the plus strand (G>T on the coding strand, the complement: SLC45A2 is on the minus strand). VCF-style: chr5-33944685-C-A. GRCh37 (hg19) VCF-style: chr5-33944790-C-A.
Other names: short protein forms C519F.
Identifiers: ClinVar variation 4704491 (VCV004704491.1).
Genomic context (GRCh38, chr5:33,944,685, plus strand): 5'-AGGGTCATTGTCTCTTTATTGACCTAATCCACATATCTAACAAAGAGAGCGACAAAGCAA[C>A]AGCCTATCAGTGCCACCGCAGACGCTGTGATCACCACGACGACAACGGTCCCGGCTGTGT-3'
Protein context (NP_057264.4, residues 509-529): ITASAVALIG[Cys519Phe]CFVALFVRYV